The following is an entry in ClinVar:

ClinVar aggregate classification (germline): Pathogenic. Review status: criteria provided, multiple submitters, no conflicts (2 of 4 stars). 2 submissions from 2 submitters: Pathogenic (2). Last evaluated 2026-05-22.

Conditions:
Retinitis pigmentosa 73 (RP73). Identifiers: Orphanet 791, MedGen C4225287, MONDO:0014687, OMIM 616544.
Mucopolysaccharidosis, MPS-III-C (MPS3C). Also called: MPS IIIC (Sanfilippo Syndrome Type C); MUCOPOLYSACCHARIDOSIS, TYPE IIIC; Mucopolysaccharidosis type IIIC (Sanfilippo C); SANFILIPPO SYNDROME C; MPS III C; mucopolysaccharidosis type 3C. Identifiers: Orphanet 581, Orphanet 79271, MedGen C0086649, MONDO:0009657, OMIM 252930.

Submissions (2):

Women's Health and Genetics/Laboratory Corporation of America, LabCorp
Classification: Pathogenic for Mucopolysaccharidosis, MPS-III-C. Last evaluated: 2026-05-22. Review status: criteria provided, single submitter. Criteria: LabCorp Variant Classification Summary - May 2015. Collection method: clinical testing. Allele origin: germline.
Comment: Variant summary: HGSNAT c.87_100dup14 (p.Gln34ArgfsX13) results in a premature termination codon, predicted to cause a truncation of the encoded protein or absence of the protein due to nonsense mediated decay, which are commonly known mechanisms for disease. The variant was absent in 31126 control chromosomes. To our knowledge, no occurrence of c.87_100dup14 in individuals affected with HGSNAT-related conditions and no experimental evidence demonstrating its impact on protein function have been reported. ClinVar contains an entry for this variant (Variation ID: 1412507). Based on the evidence outlined above, the variant was classified as pathogenic.

Labcorp Genetics (formerly Invitae), Labcorp
Classification: Pathogenic for Retinitis pigmentosa 73; Mucopolysaccharidosis, MPS-III-C. Last evaluated: 2022-10-31. Review status: criteria provided, single submitter. Criteria: Invitae Variant Classification Sherloc (09022015). Collection method: clinical testing. Allele origin: germline.
Comment: This sequence change creates a premature translational stop signal (p.Gln34Argfs*13) in the HGSNAT gene. It is expected to result in an absent or disrupted protein product. Loss-of-function variants in HGSNAT are known to be pathogenic (PMID: 17033958, 19479962). For these reasons, this variant has been classified as Pathogenic. ClinVar contains an entry for this variant (Variation ID: 1412507). This variant has not been reported in the literature in individuals affected with HGSNAT-related conditions. This variant is not present in population databases (gnomAD no frequency).

Literature cited by the submitters: PubMed 17033958 (cited by Labcorp Genetics (formerly Invitae), Labcorp); PubMed 19479962 (cited by Labcorp Genetics (formerly Invitae), Labcorp).

NM_152419.3(HGSNAT):c.87_100dup (p.Gln34fs)

Genes: HGSNAT (heparan-alpha-glucosaminide N-acetyltransferase; plus strand), LOC130000316 (ATAC-STARR-seq lymphoblastoid silent region 19164; plus strand). Cytogenetic location: 8p11.21.
Variant type: Duplication.
Coding change: c.87_100dup on transcript NM_152419.3 (MANE Select); coding-DNA positions 87 to 100, 14 bases duplicated (GGGGCGCGATGCCC).
Protein change: p.Gln34fs; shifts the reading frame from glutamine 34.
Molecular consequence: frameshift variant. On other transcripts: 5 prime UTR variant (1).
Genome position (GRCh38, 1-based): chr8:43,140,583-43,140,596, GGGGCGCGATGCCC duplicated; duplicating any 14 consecutive bases within chr8:43,140,582-43,140,596 gives the same sequence; the c. name uses the placement nearest the transcript's 3' end. VCF-style (leftmost placement, unchanged base first): chr8-43140581-T-TCGGGGCGCGATGCC. GRCh37 (hg19) VCF-style: chr8-42995724-T-TCGGGGCGCGATGCC.
Other names: c.87_100dup, p.Gln34fs (NM_001363227.2, NM_001363228.2); c.-747_-734dup (NM_001363229.2); c.87_100dup14 (NM_152419.3); short protein forms Q34fs.
Identifiers: ClinVar variation 1412507 (VCV001412507.7), dbSNP rs2130648345, ClinGen allele CA2573143101.
Genomic context (GRCh38, chr8:43,140,581, plus strand): 5'-GCCGCGCTGCTGCTGGCCGCGTCCGTGCTGAGCGCCGCGCTGCTGGCCCCCGGCGGCTCT[T>TCGGGGCGCGATGCC]CGGGGCGCGATGCCCAGGCCGCGCCGCCACGAGGTGAGTGCACACCTCCTACCGCCGCCC-3'